The following is an entry in ClinVar:

NM_015506.3(MMACHC):c.452A>G (p.His151Arg)

Gene: MMACHC (metabolism of cobalamin associated C; plus strand). Cytogenetic location: 1p34.1.
Variant type: single nucleotide variant.
Coding change: c.452A>G on transcript NM_015506.3 (MANE Select); coding-DNA position 452, A replaced by G.
Protein change: p.His151Arg; replaces histidine 151 with arginine.
Molecular consequence: missense variant.
Genome position (GRCh38, 1-based): chr1:45,508,818, A>G. VCF-style: chr1-45508818-A-G. GRCh37 (hg19) VCF-style: chr1-45974490-A-G.
Other names: c.281A>G, p.His94Arg (NM_001330540.2); c.452A>G (NM_015506.2); short protein forms H151R, H94R.
Identifiers: ClinVar variation 2676623 (VCV002676623.4), dbSNP rs764409631, ClinGen allele CA827762.

ClinVar aggregate classification (germline): Pathogenic/Likely pathogenic. Review status: criteria provided, multiple submitters, no conflicts (2 of 4 stars). 3 submissions from 3 submitters: Pathogenic (1); Likely pathogenic (2). Last evaluated 2025-12-08.

Conditions:
Cobalamin C disease. Also called: methylmalonic aciduria and homocystinuria type cblC; Cobalamin-C methylmalonic acidemia and homocystinuria; Methylmalonic acidemia and homocystinuria cblC type; Methylmalonic aciduria and homocystinuria, Vitamin B12-responsive; Vitamin B12 metabolic defect with combined deficiency of methylmalonyl-CoA mutase and homocysteine:methyltetrahydrofolate methyltransferase; Methylmalonic aciduria with homocystinuria cblC type. Identifiers: Orphanet 26, Orphanet 79282, MedGen C1848561, MONDO:0010184, OMIM 277400.

Allele frequency attached by ClinVar (database versions not stated): gnomAD exomes below 0.00001; ExAC 0.00003.
gnomAD v4.1: 2 of 1,613,506 alleles (0.00012%); highest among the groups gnomAD compares: South Asian, 0.0011%; no homozygotes.

Submissions (3):

Natera, Inc.
Classification: Likely pathogenic for Methylmalonic aciduria and homocystinuria cblC type. Last evaluated: 2025-12-08. Review status: criteria provided, single submitter. Criteria: Natera Variant Classification Schema (03/2026). Collection method: clinical testing. Allele origin: germline.
Comment: The c.452A>G variant in MMACHC is a missense variant predicted to cause substitution of histidine to arginine at amino acid 151. This variant is rare in the general population with a frequency below the threshold expected for the associated phenotype(s). This variant has been observed in one or more individuals affected with the associated recessive disease, as either homozygous or compound heterozygous with a second variant (PMID: 20631720, 26563984, 29374341, 35127762, 36056359). Additionally, this variant has been observed to segregate in affected family members (PMID: 29374341). Computational prediction algorithms indicate this variant is likely to affect gene or protein function. Given the available evidence, this variant is classified as Likely Pathogenic.

Women's Health and Genetics/Laboratory Corporation of America, LabCorp
Classification: Pathogenic for Cobalamin C disease. Last evaluated: 2025-04-03. Review status: criteria provided, single submitter. Criteria: LabCorp Variant Classification Summary - May 2015. Collection method: clinical testing. Allele origin: germline.
Comment: Variant summary: MMACHC c.452A>G (p.His151Arg) results in a non-conservative amino acid change in the encoded protein sequence. Five of five in-silico tools predict a damaging effect of the variant on protein function. The variant allele was found at a frequency of 1.6e-05 in 249126 control chromosomes. c.452A>G has been reported in the literature in multiple individuals affected with Methylmalonic Acidemia With Homocystinuria (examples, Han_2016, Liu_2010, Wang_2018). These data indicate that the variant is very likely to be associated with disease. To our knowledge, no experimental evidence demonstrating an impact on protein function has been reported. The following publications have been ascertained in the context of this evaluation (PMID: 26563984, 20631720, 29374341). ClinVar contains an entry for this variant (Variation ID: 2676623). Based on the evidence outlined above, the variant was classified as pathogenic.

Baylor Genetics
Classification: Likely pathogenic for Cobalamin C disease. Last evaluated: 2023-07-24. Review status: criteria provided, single submitter. Criteria: ACMG Guidelines, 2015. Collection method: clinical testing. Allele origin: unknown.

Literature cited by the submitters: PubMed 20631720 (cited by Natera, Inc. and Women's Health and Genetics/Laboratory Corporation of America, LabCorp); PubMed 26563984 (cited by Natera, Inc. and Women's Health and Genetics/Laboratory Corporation of America, LabCorp); PubMed 29374341 (cited by Natera, Inc. and Women's Health and Genetics/Laboratory Corporation of America, LabCorp); PubMed 35127762 (cited by Natera, Inc.); PubMed 36056359 (cited by Natera, Inc.).